The following is an entry in ClinVar:

NM_194454.3(KRIT1):c.-43C>T

Gene: KRIT1 (KRIT1 ankyrin repeat containing; minus strand). Cytogenetic location: 7q21.2.
Variant type: single nucleotide variant.
Coding change: c.-43C>T on transcript NM_194454.3 (MANE Select); 43 bases upstream of the start codon, C replaced by T.
Molecular consequence: 5 prime UTR variant. On other transcripts: intron variant (18).
Genome position (GRCh38, 1-based): chr7:92,244,042, G>A on the plus strand (C>T on the coding strand, the complement: KRIT1 is on the minus strand). VCF-style: chr7-92244042-G-A. GRCh37 (hg19) VCF-style: chr7-91873356-G-A.
Other names: c.-43C>T (NM_001350670.1, NM_001350674.1, NM_001350675.1 and 12 more transcripts); c.-3+1864C>T (NM_001350672.1); c.-3+860C>T (NM_001350673.1, NM_001350679.1, NM_001350669.1 and 4 more transcripts); c.-3+1385C>T (NM_001350677.1, NM_001350678.1, NM_001350687.1 and 3 more transcripts); c.-3+1423C>T (NM_001350680.1, NM_001350694.1, NM_001350691.1); c.-586+860C>T (NM_001350671.1).
Identifiers: ClinVar variation 360892 (VCV000360892.5), dbSNP rs193080208, ClinGen allele CA10626548.

ClinVar aggregate classification (germline): Benign/Likely benign. Review status: criteria provided, single submitter (1 of 4 stars). 2 submissions from 1 submitter: Benign (1); Likely benign (1). Last evaluated 2018-01-13.

Conditions:
Cerebral cavernous malformation (CCM). Also called: CAVERNOUS ANGIOMA, FAMILIAL; CAVERNOUS ANGIOMATOUS MALFORMATIONS; CEREBRAL CAPILLARY MALFORMATIONS; Cavernous Hemangioma of Brain; Cerebral cavernous hemangioma (type); Cerebral cavernous malformations. Identifiers: Orphanet 221061, MedGen C2919945, MONDO:0000820, OMIM 116860, HP:0033522.
Angiokeratoma corporis diffusum with arteriovenous fistulas. Identifiers: MedGen C1838141, MONDO:0010885, OMIM 600419.

Allele frequency attached by ClinVar (database versions not stated): 1000 Genomes Project 0.00180; 1000 Genomes Project 30x 0.00203; gnomAD 0.00215 and 0.00220; TOPMed 0.00226.

Submissions (2):

Illumina Laboratory Services, Illumina
Classification: Likely benign for Cerebral cavernous malformation. Last evaluated: 2018-01-13. Review status: criteria provided, single submitter. Criteria: ICSL Variant Classification Criteria 13 December 2019. Collection method: clinical testing. Allele origin: germline.
Comment: This variant was observed in the ICSL laboratory as part of a predisposition screen in an ostensibly healthy population. It had not been previously curated by ICSL or reported in the Human Gene Mutation Database (HGMD: prior to June 1st, 2018), and was therefore a candidate for classification through an automated scoring system. Utilizing variant allele frequency, disease prevalence and penetrance estimates, and inheritance mode, an automated score was calculated to assess if this variant is too frequent to cause the disease. Based on the score and internal cut-off values, a variant classified as likely benign is not then subjected to further curation. The score for this variant resulted in a classification of likely benign for this disease.

Illumina Laboratory Services, Illumina
Classification: Benign for Angiokeratoma corporis diffusum with arteriovenous fistulas. Last evaluated: 2018-01-13. Review status: criteria provided, single submitter. Criteria: ICSL Variant Classification Criteria 13 December 2019. Collection method: clinical testing. Allele origin: germline.
Comment: This variant was observed in the ICSL laboratory as part of a predisposition screen in an ostensibly healthy population. It had not been previously curated by ICSL or reported in the Human Gene Mutation Database (HGMD: prior to June 1st, 2018), and was therefore a candidate for classification through an automated scoring system. Utilizing variant allele frequency, disease prevalence and penetrance estimates, and inheritance mode, an automated score was calculated to assess if this variant is too frequent to cause the disease. Based on the score and internal cut-off values, a variant classified as benign is not then subjected to further curation. The score for this variant resulted in a classification of benign for this disease.